The following is an entry in ClinVar:

ClinVar aggregate classification (germline): Likely benign. Review status: criteria provided, multiple submitters, no conflicts (2 of 4 stars). 2 submissions from 2 submitters: Likely benign (2). Last evaluated 2026-05-26.

Conditions:
Gastrointestinal stromal tumor. Also called: Gastrointestinal stromal tumor, somatic; Gastrointestinal stroma tumor. Identifiers: Orphanet 44890, MedGen C0238198, MeSH D046152, MONDO:0011719, OMIM 606764, HP:0100723.

Allele frequency attached by ClinVar (database versions not stated): gnomAD exomes below 0.00001 and 0.00001; gnomAD 0.00002 and 0.00003; TOPMed 0.00006.
gnomAD v4.1: 19 of 1,412,134 alleles (0.0013%); highest among the groups gnomAD compares: Admixed American, 0.0068%; no homozygotes.

Submissions (2):

Myriad Genetics, Inc.
Classification: Likely benign for Gastrointestinal stromal tumor. Last evaluated: 2026-05-26. Review status: criteria provided, single submitter. Criteria: Myriad Autosomal Dominant, Autosomal Recessive and X-Linked Classification Criteria (2023). Collection method: clinical testing. Allele origin: unknown.
Comment: This variant is considered likely benign. This variant is intronic and is not expected to impact mRNA splicing.

Labcorp Genetics (formerly Invitae), Labcorp
Classification: Likely benign for Gastrointestinal stromal tumor. Last evaluated: 2025-09-28. Review status: criteria provided, single submitter. Criteria: Invitae Variant Classification Sherloc (09022015). Collection method: clinical testing. Allele origin: germline.

NM_000222.3(KIT):c.926-15T>C

Gene: KIT (KIT proto-oncogene, receptor tyrosine kinase; plus strand). Cytogenetic location: 4q12.
Variant type: single nucleotide variant.
Coding change: c.926-15T>C on transcript NM_000222.3 (MANE Select); 15 bases into the intron before coding-DNA position 926, T replaced by C.
Molecular consequence: intron variant.
Genome position (GRCh38, 1-based): chr4:54,707,083, T>C. VCF-style: chr4-54707083-T-C. GRCh37 (hg19) VCF-style: chr4-55573249-T-C.
Other names: c.929-15T>C (NM_001385284.1, NM_001385290.1, NM_001385288.1 and 1 more transcripts); c.926-15T>C (NM_001385285.1, NM_001093772.2, NM_001385286.1).
Identifiers: ClinVar variation 1595817 (VCV001595817.9), dbSNP rs1029721782, ClinGen allele CA96855194.
Genomic context (GRCh38, chr4:54,707,083, plus strand): 5'-CCAAGATGAGGTTCTGTTTTTTTGTCCAGTAGTTGTAGATAATGGTTTCTTTCTGTCTTA[T>C]TTCATTCTAATTAGATAAAGGATTCATTAATATCTTCCCCATGATAAACACTACAGTATT-3'